The following is an entry in ClinVar:

NM_000222.3(KIT):c.637G>A (p.Val213Ile)

Gene: KIT (KIT proto-oncogene, receptor tyrosine kinase; plus strand). Cytogenetic location: 4q12.
Variant type: single nucleotide variant.
Coding change: c.637G>A on transcript NM_000222.3 (MANE Select); coding-DNA position 637, G replaced by A.
Protein change: p.Val213Ile; replaces valine 213 with isoleucine.
Molecular consequence: missense variant.
Genome position (GRCh38, 1-based): chr4:54,699,647, G>A. VCF-style: chr4-54699647-G-A. GRCh37 (hg19) VCF-style: chr4-55565813-G-A.
Other names: c.637G>A, p.Val213Ile (NM_001093772.2, NM_001385284.1, NM_001385285.1 and 4 more transcripts); short protein forms V213I.
Identifiers: ClinVar variation 2561460 (VCV002561460.4), dbSNP rs1720322197, ClinGen allele CA356898180.

ClinVar aggregate classification (germline): Uncertain significance. Review status: criteria provided, multiple submitters, no conflicts (2 of 4 stars). 2 submissions from 2 submitters: Uncertain significance (2). Last evaluated 2025-11-25.

Conditions:
Hereditary cancer-predisposing syndrome. Also called: Hereditary Cancer Syndrome; Hereditary neoplastic syndrome; Neoplastic Syndromes, Hereditary; Tumor predisposition. Identifiers: Orphanet 140162, MedGen C0027672, MeSH D009386, MONDO:0015356.
Gastrointestinal stromal tumor. Also called: Gastrointestinal stromal tumor, somatic; Gastrointestinal stroma tumor. Identifiers: Orphanet 44890, MedGen C0238198, MeSH D046152, MONDO:0011719, OMIM 606764, HP:0100723.

gnomAD v4.1: 1 of 1,614,044 alleles (0.000062%); no homozygotes.

Submissions (2):

Ambry Genetics
Classification: Uncertain significance for Hereditary cancer-predisposing syndrome. Last evaluated: 2025-11-25. Review status: criteria provided, single submitter. Criteria: Ambry Variant Classification Scheme 2023. Collection method: clinical testing. Allele origin: germline.
Comment: The p.V213I variant (also known as c.637G>A), located in coding exon 4 of the KIT gene, results from a G to A substitution at nucleotide position 637. The valine at codon 213 is replaced by isoleucine, an amino acid with highly similar properties. This amino acid position is conserved. In addition, this alteration is predicted to be tolerated by in silico analysis. Since supporting evidence is limited at this time, the clinical significance of this alteration remains unclear.

Labcorp Genetics (formerly Invitae), Labcorp
Classification: Uncertain significance for Gastrointestinal stromal tumor. Last evaluated: 2025-08-06. Review status: criteria provided, single submitter. Criteria: Invitae Variant Classification Sherloc (09022015). Collection method: clinical testing. Allele origin: germline.
Comment: This sequence change replaces valine, which is neutral and non-polar, with isoleucine, which is neutral and non-polar, at codon 213 of the KIT protein (p.Val213Ile). This variant is not present in population databases (gnomAD no frequency). This variant has not been reported in the literature in individuals affected with KIT-related conditions. ClinVar contains an entry for this variant (Variation ID: 2561460). An algorithm developed to predict the effect of missense changes on protein structure and function outputs the following: PolyPhen-2: "Benign". The isoleucine amino acid residue is found in multiple mammalian species, which suggests that this missense change does not adversely affect protein function. In summary, the available evidence is currently insufficient to determine the role of this variant in disease. Therefore, it has been classified as a Variant of Uncertain Significance.